The following is an entry in ClinVar:

ClinVar aggregate classification (germline): Uncertain significance (1 of 4 stars; one submission).

Submission:

Labcorp Genetics (formerly Invitae), Labcorp
Classification: Uncertain significance. Last evaluated: 2023-11-27. Review status: criteria provided, single submitter. Criteria: Invitae Variant Classification Sherloc (09022015). Collection method: clinical testing. Allele origin: germline.
Comment: This sequence change replaces alanine, which is neutral and non-polar, with aspartic acid, which is acidic and polar, at codon 352 of the MTPAP protein (p.Ala352Asp). This variant is not present in population databases (gnomAD no frequency). This variant has not been reported in the literature in individuals affected with MTPAP-related conditions. ClinVar contains an entry for this variant (Variation ID: 2015617). Advanced modeling of protein sequence and biophysical properties (such as structural, functional, and spatial information, amino acid conservation, physicochemical variation, residue mobility, and thermodynamic stability) performed at Invitae indicates that this missense variant is not expected to disrupt MTPAP protein function with a negative predictive value of 80%. In summary, the available evidence is currently insufficient to determine the role of this variant in disease. Therefore, it has been classified as a Variant of Uncertain Significance.

NM_018109.4(MTPAP):c.1055C>A (p.Ala352Asp)

Gene: MTPAP (mitochondrial poly(A) polymerase; minus strand). Cytogenetic location: 10p11.23.
Variant type: single nucleotide variant.
Coding change: c.1055C>A on transcript NM_018109.4 (MANE Select); coding-DNA position 1055, C replaced by A.
Protein change: p.Ala352Asp; replaces alanine 352 with aspartic acid.
Molecular consequence: missense variant.
Genome position (GRCh38, 1-based): chr10:30,322,555, G>T on the plus strand (C>A on the coding strand, the complement: MTPAP is on the minus strand). VCF-style: chr10-30322555-G-T. GRCh37 (hg19) VCF-style: chr10-30611484-G-T.
Other names: short protein forms A352D.
Identifiers: ClinVar variation 2015617 (VCV002015617.4), dbSNP rs2538452502, ClinGen allele CA376436571.